The following is an entry in ClinVar:

ClinVar aggregate classification (germline): Likely pathogenic (0 of 4 stars; one submission).

Conditions:
LEPR-related disorder. Also called: LEPR-related condition; LEPR-related disorders.

Submission:

PreventionGenetics, part of Exact Sciences
Classification: Likely pathogenic for LEPR-related condition. Last evaluated: 2024-07-25. Review status: no assertion criteria provided. Collection method: clinical testing. Allele origin: germline.
Comment: The LEPR c.286_289delinsT variant is predicted to result in premature protein termination (p.Asp96*). To our knowledge, this variant has not been reported in the literature or in a large population database, indicating this variant is rare. Nonsense variants in LEPR are expected to be pathogenic. This variant is interpreted as likely pathogenic.

NM_002303.6(LEPR):c.286_289delinsT (p.Asp96_Arg97delinsTer)

Gene: LEPR (leptin receptor; plus strand). Cytogenetic location: 1p31.3.
Variant type: Indel.
Coding change: c.286_289delinsT on transcript NM_002303.6 (MANE Select); coding-DNA positions 286 to 289, GATA replaced by T.
Protein change: p.Asp96_Arg97delinsTer.
Molecular consequence: nonsense.
Genome position (GRCh38, 1-based): chr1:65,570,718-65,570,721, GATA replaced by T. VCF-style: chr1-65570718-GATA-T. GRCh37 (hg19) VCF-style: chr1-66036401-GATA-T.
Other names: c.286_289delinsT, p.Asp96_Arg97delinsTer (NM_001003679.3, NM_001003680.3, NM_001198687.2 and 2 more transcripts); c.286_289delGATAinsT, p.Asp96_Asn431delinsTer (NM_002303.5).
Identifiers: ClinVar variation 3353366 (VCV003353366.1).